The following is an entry in ClinVar:

NM_032608.7(MYO18B):c.1770G>A (p.Thr590=)

Gene: MYO18B (myosin XVIIIB; plus strand). Cytogenetic location: 22q12.1.
Variant type: single nucleotide variant.
Coding change: c.1770G>A on transcript NM_032608.7 (MANE Select); coding-DNA position 1770, G replaced by A.
Protein change: p.Thr590=; no amino-acid change (threonine 590 retained).
Molecular consequence: synonymous variant.
Genome position (GRCh38, 1-based): chr22:25,772,411, G>A. VCF-style: chr22-25772411-G-A. GRCh37 (hg19) VCF-style: chr22-26168378-G-A.
Other names: c.1770G>A (NM_032608.6); c.1770G>A, p.Thr590= (NM_001318245.2).
Identifiers: ClinVar variation 1896782 (VCV001896782.7), dbSNP rs745971777, ClinGen allele CA10159948.

ClinVar aggregate classification (germline): Likely benign. Review status: criteria provided, multiple submitters, no conflicts (2 of 4 stars). 3 submissions from 3 submitters: Likely benign (2). 1 of the submissions does not count toward it. Last evaluated 2025-10-14.

Conditions:
MYO18B-related disorder. Also called: MYO18B-related condition.

Allele frequency attached by ClinVar (database versions not stated): gnomAD 0.00001; TOPMed 0.00001; ExAC 0.00002.
gnomAD v4.1: 108 of 1,613,894 alleles (0.0067%); highest among the groups gnomAD compares: Non-Finnish European, 0.0089%; no homozygotes.

Submissions (3):

Labcorp Genetics (formerly Invitae), Labcorp
Classification: Likely benign. Last evaluated: 2025-10-14. Review status: criteria provided, single submitter. Criteria: Invitae Variant Classification Sherloc (09022015). Collection method: clinical testing. Allele origin: germline.

Blueprint Genetics
Classification: Likely benign. Last evaluated: 2024-05-03. Review status: criteria provided, single submitter. Criteria: ACMG Guidelines, 2015. Collection method: clinical testing. Allele origin: germline.

PreventionGenetics, part of Exact Sciences
Classification: Likely benign for MYO18B-related condition. Last evaluated: 2019-09-11. Review status: no assertion criteria provided. Collection method: clinical testing. Allele origin: germline. Not counted in ClinVar's aggregate classification.
Comment: This variant is classified as likely benign based on ACMG/AMP sequence variant interpretation guidelines (Richards et al. 2015 PMID: 25741868, with internal and published modifications).